The following is an entry in ClinVar:

ClinVar aggregate classification (germline): Likely pathogenic. Review status: criteria provided, multiple submitters, no conflicts (2 of 4 stars). 3 submissions from 3 submitters: Likely pathogenic (2). 1 of the submissions does not count toward it. Last evaluated 2023-05-22.

Conditions:
AVP-related disorder. Also called: AVP-related condition.
Neurohypophyseal diabetes insipidus. Also called: DIABETES INSIPIDUS, PRIMARY CENTRAL; Diabetes Insipidus, Neurogenic; Hereditary arginine vasopressin deficiency. Identifiers: Orphanet 178029, Orphanet 30925, MedGen C0342394, MONDO:0007450, OMIM 125700.

Submissions (3):

Blueprint Genetics
Classification: Likely pathogenic for AVP-related disorders. Last evaluated: 2023-05-22. Review status: criteria provided, single submitter. Criteria: ACMG Guidelines, 2015. Collection method: clinical testing. Allele origin: germline. Affected: yes. Observed: 1 variant allele.

PreventionGenetics, part of Exact Sciences
Classification: Likely pathogenic for AVP-related condition. Last evaluated: 2022-09-23. Review status: criteria provided, single submitter. Criteria: ACMG Guidelines, 2015. Collection method: clinical testing. Allele origin: germline.
Comment: The AVP c.275G>A variant is predicted to result in the amino acid substitution p.Cys92Tyr. This variant has been reported in two affected individuals from one family with familial diabetes insipidus (referred to as p.Cys61Tyr, Grant et al 1998. PubMed ID: 9814475). This variant has not been reported in a large population database, indicating this variant is rare. Different variants affecting the same amino acid (p.Cys92Ser, p.Cys92Gly, and pCys92Trp) have also been reported in association with neurohypophyseal diabetes insipidus (Human Gene Mutation Database). In summary, this variant is interpreted as likely pathogenic.

OMIM
Classification: Pathogenic for DIABETES INSIPIDUS, NEUROHYPOPHYSEAL. Last evaluated: 1998-11-01. Review status: no assertion criteria provided. Collection method: literature only. Allele origin: germline. Not counted in ClinVar's aggregate classification.

Literature cited by the submitters: PubMed 9814475 (cited by OMIM).

NM_000490.5(AVP):c.275G>A (p.Cys92Tyr)

Gene: AVP (arginine vasopressin; minus strand). Cytogenetic location: 20p13.
Variant type: single nucleotide variant.
Coding change: c.275G>A on transcript NM_000490.5 (MANE Select); coding-DNA position 275, G replaced by A.
Protein change: p.Cys92Tyr; replaces cysteine 92 with tyrosine.
Molecular consequence: missense variant.
Genome position (GRCh38, 1-based): chr20:3,083,024, C>T on the plus strand (G>A on the coding strand, the complement: AVP is on the minus strand). VCF-style: chr20-3083024-C-T. GRCh37 (hg19) VCF-style: chr20-3063670-C-T.
Other names: C61Y; c.275G>A (NM_000490.4); c.275G>A, p.Cys92Tyr (LRG_715t1); short protein forms C92Y.
Identifiers: ClinVar variation 12217 (VCV000012217.3), dbSNP rs121964891, ClinGen allele CA121970.